The following is an entry in ClinVar:

ClinVar aggregate classification (germline): Uncertain significance (1 of 4 stars; one submission).

Conditions:
Hereditary cancer-predisposing syndrome. Also called: Neoplastic Syndromes, Hereditary; Tumor predisposition; Hereditary Cancer Syndrome; Hereditary neoplastic syndrome. Identifiers: Orphanet 140162, MedGen C0027672, MeSH D009386, MONDO:0015356.

Submission:

Ambry Genetics
Classification: Uncertain significance for Hereditary cancer-predisposing syndrome. Last evaluated: 2026-08-11. Review status: criteria provided, single submitter. Criteria: Ambry Variant Classification Scheme 2023. Collection method: clinical testing. Allele origin: germline.
Comment: The p.K118T variant (also known as c.353A>C), located in coding exon 3 of the TSC1 gene, results from an A to C substitution at nucleotide position 353. The lysine at codon 118 is replaced by threonine, an amino acid with similar properties. This amino acid position is conserved. In addition, this alteration is predicted to be deleterious by in silico analysis. Based on the available evidence, the clinical significance of this variant remains unclear.

NM_000368.5(TSC1):c.353A>C (p.Lys118Thr)

Gene: TSC1 (TSC complex subunit 1; minus strand). Cytogenetic location: 9q34.13.
Variant type: single nucleotide variant.
Coding change: c.353A>C on transcript NM_000368.5 (MANE Select); coding-DNA position 353, A replaced by C.
Protein change: p.Lys118Thr; replaces lysine 118 with threonine.
Molecular consequence: missense variant. On other transcripts: 5 prime UTR variant (18), non-coding transcript variant (5), intron variant (5).
Genome position (GRCh38, 1-based): chr9:132,925,597, T>G on the plus strand (A>C on the coding strand, the complement: TSC1 is on the minus strand). VCF-style: chr9-132925597-T-G. GRCh37 (hg19) VCF-style: chr9-135800984-T-G.
Other names: c.353A>C, p.Lys118Thr (NM_001406605.1, NM_001406606.1, NM_001406607.1 and 16 more transcripts); c.-103A>C (NM_001406614.1, NM_001406616.1, NM_001406624.1); c.-136A>C (NM_001406615.1, NM_001406623.1); c.-11A>C (NM_001406617.1, NM_001406618.1, NM_001406619.1 and 5 more transcripts); c.-525A>C (NM_001406626.1, NM_001406627.1, NM_001406628.1); c.-667A>C (NM_001406629.1); c.-741A>C (NM_001406630.1); c.210+1604A>C (NM_001406613.1, NM_001406612.1, NM_001406610.1 and 2 more transcripts); short protein forms K118T.
Identifiers: ClinVar variation 4554573 (VCV004554573.2).